The following is an entry in ClinVar:

NM_020884.7(MYH7B):c.1528G>A (p.Asp510Asn)

Gene: MYH7B (myosin heavy chain 7B; plus strand). Cytogenetic location: 20q11.22.
Variant type: single nucleotide variant.
Coding change: c.1528G>A on transcript NM_020884.7 (MANE Select); coding-DNA position 1528, G replaced by A.
Protein change: p.Asp510Asn; replaces aspartic acid 510 with asparagine.
Molecular consequence: missense variant.
Genome position (GRCh38, 1-based): chr20:34,988,203, G>A. VCF-style: chr20-34988203-G-A. GRCh37 (hg19) VCF-style: chr20-33576006-G-A.
Other names: short protein forms D510N.
Identifiers: ClinVar variation 4769565 (VCV004769565.1).

ClinVar aggregate classification (germline): Uncertain significance (1 of 4 stars; one submission).

gnomAD v4.1: 11 of 1,614,168 alleles (0.00068%); highest among the groups gnomAD compares: South Asian, 0.0033%; no homozygotes.

Submission:

Labcorp Genetics (formerly Invitae), Labcorp
Classification: Uncertain significance. Last evaluated: 2025-07-24. Review status: criteria provided, single submitter. Criteria: Invitae Variant Classification Sherloc (09022015). Collection method: clinical testing. Allele origin: germline.
Comment: This sequence change replaces aspartic acid, which is acidic and polar, with asparagine, which is neutral and polar, at codon 552 of the MYH7B protein (p.Asp552Asn). This variant is not present in population databases (gnomAD no frequency). This variant has not been reported in the literature in individuals affected with MYH7B-related conditions. Invitae Evidence Modeling of protein sequence and biophysical properties (such as structural, functional, and spatial information, amino acid conservation, physicochemical variation, residue mobility, and thermodynamic stability) indicates that this missense variant is not expected to disrupt MYH7B protein function with a negative predictive value of 80%. In summary, the available evidence is currently insufficient to determine the role of this variant in disease. Therefore, it has been classified as a Variant of Uncertain Significance.